The following is an entry in ClinVar:

NM_052845.4(MMAB):c.572G>C (p.Arg191Pro)

Gene: MMAB (metabolism of cobalamin associated B; minus strand). Cytogenetic location: 12q24.11.
Variant type: single nucleotide variant.
Coding change: c.572G>C on transcript NM_052845.4 (MANE Select); coding-DNA position 572, G replaced by C.
Protein change: p.Arg191Pro; replaces arginine 191 with proline.
Molecular consequence: missense variant. On other transcripts: non-coding transcript variant (1).
Genome position (GRCh38, 1-based): chr12:109,561,052, C>G on the plus strand (G>C on the coding strand, the complement: MMAB is on the minus strand). VCF-style: chr12-109561052-C-G. GRCh37 (hg19) VCF-style: chr12-109998857-C-G.
Other names: short protein forms R191P.
Identifiers: ClinVar variation 2501701 (VCV002501701.1), dbSNP rs746219370, ClinGen allele CA386636835.

ClinVar aggregate classification (germline): Likely pathogenic (1 of 4 stars; one submission).

Conditions:
Methylmalonic aciduria, cblB type (MACB). Also called: METHYLMALONIC ACIDURIA, VITAMIN B12-RESPONSIVE, DUE TO DEFECT IN SYNTHESIS OF ADENOSYLCOBALAMIN, cblB TYPE; Vitamin B12-responsive methylmalonic acidemia type cblB; Methylmalonic acidemia cblB type. Identifiers: Orphanet 28, Orphanet 79311, MedGen C1855102, MONDO:0009614, OMIM 251110.

Submission:

Lifecell International Pvt. Ltd
Classification: Likely pathogenic for Methylmalonic aciduria, cblB type. Review status: criteria provided, single submitter. Criteria: ACMG Guidelines, 2015. Collection method: clinical testing. Allele origin: germline. Inheritance: Autosomal recessive inheritance. Affected: yes. Observed: 1 compound heterozygote.
Comment: A Heterozygous Missense variant c.572G>C in Exon 7 of the MMAB gene that results in the amino acid substitution p.Arg191Pro was identified. The observed variant has a minor allele frequency of 0% in gnomAD exomes and genomes, respectively. The severity of the impact of this variant on the protein is high, based on the effect of the protein and REVEL score. Rare Exome Variant Ensemble Learner (REVEL) is an ensembl method for predicting the pathogenicity of missense variants based on a combination of scores from 13 individual tools: MutPred, FATHMM v2.3, VEST 3.0, PolyPhen-2, SIFT, PROVEAN, MutationAssessor, MutationTaster, LRT, GERP++, SiPhy, phyloP, and phastCons. The REVEL score for an individual missense variant can range from 0 to 1, with higher scores reflecting greater likelihood that the variant is disease-causing. This variant lies on the Cobalamin adenosyltransferase-like domain of the protein. The same codon has previously been reported in ClinVar for different variants (R191Q and R191W) (variant ID: 219006 and 218324) Based on the above evidence this variant has been classified as Likely Pathogenic according to the ACMG guidelines.